The following is an entry in ClinVar:

NM_005585.5(SMAD6):c.667dup (p.Gln223fs)

Gene: SMAD6 (SMAD family member 6; plus strand). Cytogenetic location: 15q22.31.
Variant type: Duplication.
Coding change: c.667dup on transcript NM_005585.5 (MANE Select); coding-DNA position 667, one base duplicated (C; older notation c.667dupC).
Protein change: p.Gln223fs; shifts the reading frame from glutamine 223.
Molecular consequence: frameshift variant. On other transcripts: non-coding transcript variant (1).
Genome position (GRCh38, 1-based): chr15:66,703,925, C duplicated. VCF-style (leftmost placement, unchanged base first): chr15-66703924-G-GC. GRCh37 (hg19) VCF-style: chr15-66996262-G-GC.
Other names: short protein forms Q223fs.
Identifiers: ClinVar variation 1474541 (VCV001474541.6), dbSNP rs2140582321, ClinGen allele CA2573151063.

ClinVar aggregate classification (germline): Uncertain significance (1 of 4 stars; one submission).

Conditions:
Aortic valve disease 2 (AOVD2). Identifiers: MedGen C3542024, MONDO:0013902, OMIM 614823.

Submission:

Labcorp Genetics (formerly Invitae), Labcorp
Classification: Uncertain significance for Aortic valve disease 2. Last evaluated: 2021-08-01. Review status: criteria provided, single submitter. Criteria: Invitae Variant Classification Sherloc (09022015). Collection method: clinical testing. Allele origin: germline.
Comment: This sequence change creates a premature translational stop signal (p.Gln223Profs*80) in the SMAD6 gene. While this is not anticipated to result in nonsense mediated decay, it is expected to disrupt the last 274 amino acid(s) of the SMAD6 protein. In summary, the available evidence is currently insufficient to determine the role of this variant in disease. Therefore, it has been classified as a Variant of Uncertain Significance. Experimental studies and prediction algorithms are not available or were not evaluated, and the functional significance of this variant is currently unknown. This variant has not been reported in the literature in individuals affected with SMAD6-related conditions. The frequency data for this variant in the population databases is considered unreliable, as metrics indicate insufficient coverage at this position in the ExAC database.